The following is an entry in ClinVar:

ClinVar aggregate classification (germline): Uncertain significance (1 of 4 stars; one submission).

Conditions:
Primary ciliary dyskinesia. Also called: Ciliary dyskinesia. Identifiers: Orphanet 244, MedGen C0008780, MONDO:0016575, HP:0012265.

Submission:

Labcorp Genetics (formerly Invitae), Labcorp
Classification: Uncertain significance for Primary ciliary dyskinesia. Last evaluated: 2019-05-08. Review status: criteria provided, single submitter. Criteria: Invitae Variant Classification Sherloc (09022015). Collection method: clinical testing. Allele origin: germline.
Comment: In summary, this variant has uncertain impact on RPGR function. The available evidence is currently insufficient to determine its role in disease. Therefore, it has been classified as a Variant of Uncertain Significance. Experimental studies and prediction algorithms are not available for this variant, and the functional significance of the deleted amino acid is currently unknown. This variant has not been reported in the literature in individuals with a RPGR-related disease. This variant is not present in population databases (ExAC no frequency). This variant, c.1683_1685delACA, results in the deletion of 1 amino acid(s) of the RPGR protein (p.Gln561del), but otherwise preserves the integrity of the reading frame.

NM_001034853.2(RPGR):c.1680ACA[1] (p.Gln561del)

Gene: RPGR (retinitis pigmentosa GTPase regulator; minus strand). Cytogenetic location: Xp11.4.
Variant type: Microsatellite.
Coding change: c.1680ACA[1] on transcript NM_001034853.2 (MANE Select); one copy of the 3-base unit ACA starting at c.1680; the reference has two copies in a row; one copy, 3 bases deleted.
Protein change: p.Gln561del; deletes glutamine 561.
Molecular consequence: inframe deletion. On other transcripts: non-coding transcript variant (1), intron variant (5).
Genome position (GRCh38, 1-based): chrX:38,287,929-38,287,931, TGT deleted on the plus strand (ACA on the coding strand, the reverse complement: RPGR is on the minus strand); deleting any 3 consecutive bases within chrX:38,287,929-38,287,935 gives the same sequence; the position shown is the placement nearest the transcript's 3' end. VCF-style (leftmost placement, unchanged base first): chrX-38287928-ATGT-A. GRCh37 (hg19) VCF-style: chrX-38147181-ATGT-A.
Other names: c.1680ACA[1], p.Gln561del (NM_000328.3); c.1677ACA[1], p.Gln560del (NM_001367245.1); c.1494ACA[1], p.Gln499del (NM_001367246.1); c.1569+3028_1569+3030del (NM_001367249.1, NM_001367250.1); c.1386+3028_1386+3030del (NM_001367251.1); c.1572+3028_1572+3030del (NM_001367247.1); c.1602+3028_1602+3030del (NM_001367248.1); short protein forms Q561del, Q499del, Q560del.
Identifiers: ClinVar variation 454511 (VCV000454511.11), dbSNP rs1208778002, ClinGen allele CA640957340.